The following is an entry in ClinVar:

ClinVar aggregate classification (germline): Pathogenic. Review status: reviewed by expert panel (3 of 4 stars). 5 submissions from 5 submitters: Pathogenic (1). 4 of the submissions do not count toward it. Last evaluated 2016-10-18.

Conditions:
BRCA2-related disorder. Also called: BRCA2-related condition; BRCA2-related disorders. Identifiers: MedGen CN239275.
Hereditary cancer-predisposing syndrome. Also called: Tumor predisposition; Hereditary Cancer Syndrome; Hereditary neoplastic syndrome; Neoplastic Syndromes, Hereditary. Identifiers: Orphanet 140162, MedGen C0027672, MeSH D009386, MONDO:0015356.
Breast-ovarian cancer, familial, susceptibility to, 2 (BROVCA2). Also called: BRCA2 Hereditary Breast and Ovarian Cancer. Identifiers: Orphanet 145, MedGen C2675520, MONDO:0012933, OMIM 612555. Disease mechanism: loss of function.

Submissions (5):

Evidence-based Network for the Interpretation of Germline Mutant Alleles (ENIGMA)
Classification: Pathogenic for Breast-ovarian cancer, familial, susceptibility to, 2. Last evaluated: 2016-10-18. Review status: reviewed by expert panel. Criteria: ENIGMA BRCA1/2 Classification Criteria (2015). Collection method: curation. Allele origin: germline.
Comment: Variant allele predicted to encode a truncated non-functional protein.

Color Diagnostics, LLC DBA Color Health
Classification: Pathogenic for Hereditary cancer-predisposing syndrome. Last evaluated: 2020-01-15. Review status: criteria provided, single submitter. Criteria: ACMG Guidelines, 2015. Collection method: clinical testing. Allele origin: germline. Not counted in ClinVar's aggregate classification.
Comment: This variant changes 1 nucleotide in exon 10 of the BRCA2 gene, creating a premature translation stop signal. This variant is expected to result in an absent or non-functional protein product. This variant has not been identified in the general population by the Genome Aggregation Database (gnomAD). Loss of BRCA2 function is a known mechanism of disease. Based on the available evidence, this variant is classified as Pathogenic.

Blueprint Genetics
Classification: Pathogenic for BRCA2-related disorders. Last evaluated: 2018-04-03. Review status: criteria provided, single submitter. Criteria: ACMG Guidelines, 2015. Collection method: clinical testing. Allele origin: germline. Affected: yes. Observed: 5 variant alleles. Not counted in ClinVar's aggregate classification.

Consortium of Investigators of Modifiers of BRCA1/2 (CIMBA), c/o University of Cambridge
Classification: Pathogenic for Breast-ovarian cancer, familial, susceptibility to, 2. Last evaluated: 2015-10-02. Review status: criteria provided, single submitter. Criteria: CIMBA Mutation Classification guidelines May 2016. Collection method: clinical testing. Allele origin: germline. Not counted in ClinVar's aggregate classification.

BRCAlab, Lund University
Classification: Pathogenic for Breast-ovarian cancer, familial, susceptibility to, 2. Last evaluated: 2020-03-02. Review status: no assertion criteria provided. Collection method: clinical testing. Allele origin: germline. Affected: yes. Not counted in ClinVar's aggregate classification.

NM_000059.4(BRCA2):c.1286T>G (p.Leu429Ter)

Gene: BRCA2 (BRCA2 DNA repair associated; plus strand). Cytogenetic location: 13q13.1.
Variant type: single nucleotide variant.
Coding change: c.1286T>G on transcript NM_000059.4 (MANE Select); coding-DNA position 1286, T replaced by G.
Protein change: p.Leu429Ter; replaces leucine 429 with a stop codon.
Molecular consequence: nonsense.
Genome position (GRCh38, 1-based): chr13:32,332,764, T>G. VCF-style: chr13-32332764-T-G. GRCh37 (hg19) VCF-style: chr13-32906901-T-G.
Other names: 1514T>G-Leu429ter; short protein forms L429*.
Identifiers: ClinVar variation 266624 (VCV000266624.11), dbSNP rs886040356, ClinGen allele CA10589083.
Genomic context (GRCh38, chr13:32,332,764, plus strand): 5'-AGAAAATACCCCTATTGCATATTTCTTCATGTGACCAAAATATTTCAGAAAAAGACCTAT[T>G]AGACACAGAGAACAAAAGAAAGAAAGATTTTCTTACTTCAGAGAATTCTTTGCCACGTAT-3'